The following is an entry in ClinVar:

NM_004186.5(SEMA3F):c.2275G>A (p.Glu759Lys)

Gene: SEMA3F (semaphorin 3F; plus strand). Cytogenetic location: 3p21.31.
Variant type: single nucleotide variant.
Coding change: c.2275G>A on transcript NM_004186.5 (MANE Select); coding-DNA position 2275, G replaced by A.
Protein change: p.Glu759Lys; replaces glutamic acid 759 with lysine.
Molecular consequence: missense variant.
Genome position (GRCh38, 1-based): chr3:50,188,032, G>A. VCF-style: chr3-50188032-G-A. GRCh37 (hg19) VCF-style: chr3-50225465-G-A.
Other names: c.1978G>A, p.Glu660Lys (NM_001318798.2); c.2182G>A, p.Glu728Lys (NM_001318800.2); short protein forms E759K, E660K, E728K.
Identifiers: ClinVar variation 4986336 (VCV004986336.1).
Genomic context (GRCh38, chr3:50,188,032, plus strand): 5'-GTGGGCCTCATCCACCAGTACTGCCAGGGTTACTGGCGCCATGTGCCCCCCAGCCCCAGG[G>A]AGGCTCCAGGGGCACCCCGGTCTCCTGAGCCCCAGGACCAGAAAAAGCCCCGGAACCGCC-3'
Protein context (NP_004177.3, residues 749-769): YWRHVPPSPR[Glu759Lys]APGAPRSPEP

ClinVar aggregate classification (germline): Uncertain significance (1 of 4 stars; one submission).

Conditions:
SEMA3F-related disorder. Also called: SEMA3F-related condition.

Submission:

PreventionGenetics, part of Exact Sciences
Classification: Uncertain significance for SEMA3F-related condition. Last evaluated: 2026-06-15. Review status: criteria provided, single submitter. Criteria: ACMG Guidelines, 2015. Collection method: clinical testing. Allele origin: germline.
Comment: The SEMA3F c.2275G>A variant is predicted to result in the amino acid substitution p.Glu759Lys. To our knowledge, this variant has not been reported in the literature or in a large population database, indicating this variant is rare. At this time, the clinical significance of this variant is uncertain due to the absence of conclusive functional and genetic evidence.